The following is an entry in ClinVar:

ClinVar aggregate classification (germline): Likely benign (0 of 4 stars; one submission).

Conditions:
P2RX1-related disorder. Also called: P2RX1-related condition.

Allele frequency attached by ClinVar (database versions not stated): gnomAD 0.00009; TOPMed 0.00011; gnomAD exomes 0.00018; ESP Exome Variant Server 0.00023; ExAC 0.00040; 1000 Genomes Project 0.00060; 1000 Genomes Project 30x 0.00062.
gnomAD v4.1: 290 of 1,614,186 alleles (0.018%); highest among the groups gnomAD compares: Middle Eastern, 0.18%; no homozygotes.

Submission:

PreventionGenetics, part of Exact Sciences
Classification: Likely benign for P2RX1-related condition. Last evaluated: 2021-01-13. Review status: no assertion criteria provided. Collection method: clinical testing. Allele origin: germline.
Comment: This variant is classified as likely benign based on ACMG/AMP sequence variant interpretation guidelines (Richards et al. 2015 PMID: 25741868, with internal and published modifications).

NM_002558.4(P2RX1):c.714G>A (p.Glu238=)

Gene: P2RX1 (purinergic receptor P2X 1; minus strand). Cytogenetic location: 17p13.2.
Variant type: single nucleotide variant.
Coding change: c.714G>A on transcript NM_002558.4 (MANE Select); coding-DNA position 714, G replaced by A.
Protein change: p.Glu238=; no amino-acid change (glutamic acid 238 retained).
Molecular consequence: synonymous variant.
Genome position (GRCh38, 1-based): chr17:3,903,235, C>T on the plus strand (G>A on the coding strand, the complement: P2RX1 is on the minus strand). VCF-style: chr17-3903235-C-T. GRCh37 (hg19) VCF-style: chr17-3806529-C-T.
Identifiers: ClinVar variation 3054650 (VCV003054650.2), dbSNP rs151139612, ClinGen allele CA8296163.